The following is an entry in ClinVar:

NM_005502.4(ABCA1):c.5258T>C (p.Met1753Thr)

Gene: ABCA1 (ATP binding cassette subfamily A member 1; minus strand). Cytogenetic location: 9q31.1.
Variant type: single nucleotide variant.
Coding change: c.5258T>C on transcript NM_005502.4 (MANE Select); coding-DNA position 5258, T replaced by C.
Protein change: p.Met1753Thr; replaces methionine 1753 with threonine.
Molecular consequence: missense variant.
Genome position (GRCh38, 1-based): chr9:104,796,177, A>G on the plus strand (T>C on the coding strand, the complement: ABCA1 is on the minus strand). VCF-style: chr9-104796177-A-G. GRCh37 (hg19) VCF-style: chr9-107558458-A-G.
Other names: short protein forms M1753T.
Identifiers: ClinVar variation 3935708 (VCV003935708.1).

ClinVar aggregate classification (germline): Uncertain significance (1 of 4 stars; one submission).

Conditions:
Cardiovascular phenotype. Identifiers: MedGen CN230736.

Submission:

Ambry Genetics
Classification: Uncertain significance for Cardiovascular phenotype. Last evaluated: 2025-05-10. Review status: criteria provided, single submitter. Criteria: Ambry Variant Classification Scheme 2023. Collection method: clinical testing. Allele origin: germline.
Comment: The p.M1753T variant (also known as c.5258T>C), located in coding exon 38 of the ABCA1 gene, results from a T to C substitution at nucleotide position 5258. The methionine at codon 1753 is replaced by threonine, an amino acid with similar properties. This amino acid position is conserved. In addition, this alteration is predicted to be deleterious by in silico analysis. Based on the available evidence, the clinical significance of this variant remains unclear.